The following is an entry in ClinVar:

ClinVar aggregate classification (germline): Uncertain significance (1 of 4 stars; one submission).

Conditions:
Saldino-Mainzer syndrome (SRTD9). Also called: CONORENAL SYNDROME; Renal dysplasia, retinal pigmentary dystrophy, cerebellar ataxia and skeletal dysplasia; SHORT-RIB THORACIC DYSPLASIA 9 WITHOUT POLYDACTYLY; short-rib thoracic dysplasia 9 with or without polydactyly. Identifiers: Orphanet 140969, MedGen C1849437, MONDO:0009964, OMIM 266920.

Allele frequency attached by ClinVar (database versions not stated): gnomAD exomes 0.00001; ExAC 0.00002; TOPMed 0.00002.
gnomAD v4.1: 11 of 1,611,650 alleles (0.00068%); highest among the groups gnomAD compares: South Asian, 0.0011%; no homozygotes.

Submission:

Labcorp Genetics (formerly Invitae), Labcorp
Classification: Uncertain significance for Saldino-Mainzer syndrome. Last evaluated: 2022-08-16. Review status: criteria provided, single submitter. Criteria: Invitae Variant Classification Sherloc (09022015). Collection method: clinical testing. Allele origin: germline.
Comment: This sequence change replaces arginine, which is basic and polar, with histidine, which is basic and polar, at codon 989 of the IFT140 protein (p.Arg989His). This variant is present in population databases (rs764492842, gnomAD 0.004%). This variant has not been reported in the literature in individuals affected with IFT140-related conditions. Algorithms developed to predict the effect of missense changes on protein structure and function are either unavailable or do not agree on the potential impact of this missense change (SIFT: "Deleterious"; PolyPhen-2: "Probably Damaging"; Align-GVGD: "Class C0"). In summary, the available evidence is currently insufficient to determine the role of this variant in disease. Therefore, it has been classified as a Variant of Uncertain Significance.

NM_014714.4(IFT140):c.2966G>A (p.Arg989His)

Genes: IFT140 (intraflagellar transport 140; minus strand), LOC126862260 (CDK7 strongly-dependent group 2 enhancer GRCh37_chr16:1574508-1575707; plus strand). Cytogenetic location: 16p13.3.
Variant type: single nucleotide variant.
Coding change: c.2966G>A on transcript NM_014714.4 (MANE Select); coding-DNA position 2966, G replaced by A.
Protein change: p.Arg989His; replaces arginine 989 with histidine.
Molecular consequence: missense variant.
Genome position (GRCh38, 1-based): chr16:1,524,815, C>T on the plus strand (G>A on the coding strand, the complement: IFT140 is on the minus strand). VCF-style: chr16-1524815-C-T. GRCh37 (hg19) VCF-style: chr16-1574816-C-T.
Other names: short protein forms R989H.
Identifiers: ClinVar variation 2040041 (VCV002040041.1), dbSNP rs764492842, ClinGen allele CA7813404.